The following is an entry in ClinVar:

ClinVar aggregate classification (germline): Uncertain significance (1 of 4 stars; one submission).

Conditions:
Cardiomyopathy (CMYO). Also called: Cardiomyopathies. Identifiers: Orphanet 167848, MedGen C0878544, MONDO:0004994, HP:0001638. Inheritance: Various modes of inheritance.

Submission:

Color Diagnostics, LLC DBA Color Health
Classification: Uncertain significance for Cardiomyopathy. Last evaluated: 2021-11-12. Review status: criteria provided, single submitter. Criteria: ACMG Guidelines, 2015. Collection method: clinical testing. Allele origin: germline.
Comment: This missense variant replaces leucine with isoleucine at codon 104 of the MYL3 protein. Computational prediction suggests that this variant may not impact protein structure and function (internally defined REVEL score threshold <= 0.5, PMID: 27666373). To our knowledge, functional studies have not been reported for this variant. This variant has not been reported in individuals affected with cardiovascular disorders in the literature. This variant has not been identified in the general population by the Genome Aggregation Database (gnomAD). The available evidence is insufficient to determine the role of this variant in disease conclusively. Therefore, this variant is classified as a Variant of Uncertain Significance.

NM_000258.3(MYL3):c.310C>A (p.Leu104Ile)

Gene: MYL3 (myosin light chain 3; minus strand). Cytogenetic location: 3p21.31.
Variant type: single nucleotide variant.
Coding change: c.310C>A on transcript NM_000258.3 (MANE Select); coding-DNA position 310, C replaced by A.
Protein change: p.Leu104Ile; replaces leucine 104 with isoleucine.
Molecular consequence: missense variant.
Genome position (GRCh38, 1-based): chr3:46,859,646, G>T on the plus strand (C>A on the coding strand, the complement: MYL3 is on the minus strand). VCF-style: chr3-46859646-G-T. GRCh37 (hg19) VCF-style: chr3-46901136-G-T.
Other names: c.310C>A, p.Leu104Ile (NM_001406937.1, NM_001406938.1, NM_001406939.1); c.136C>A, p.Leu46Ile (NM_001406940.1, NM_001406941.1); short protein forms L104I, L46I.
Identifiers: ClinVar variation 2773987 (VCV002773987.2), dbSNP rs2544965458, ClinGen allele CA352496988.
Genomic context (GRCh38, chr3:46,859,646, plus strand): 5'-TCTTGGAAATGTGCTGGAGCATAGGCAGGAAAGTTTCAAAGTCCATCATCTTGGTATTGA[G>T]CTCTGCAGAGAAATGGTCCCAGGTTCCAGGGTCTAAGGCTGGGGTGGGCACACCCCTCCC-3'
Protein context (NP_000249.1, residues 94-114): RVLGKPRQEE[Leu104Ile]NTKMMDFETF